The following is an entry in ClinVar:

NM_001142864.4(PIEZO1):c.588G>T (p.Leu196=)

Genes: HSALR1 (HSP90AB1 associated lncRNA 1; plus strand), PIEZO1 (piezo type mechanosensitive ion channel component 1 (Er blood group); minus strand). Cytogenetic location: 16q24.3.
Variant type: single nucleotide variant.
Coding change: c.588G>T on transcript NM_001142864.4 (MANE Select); coding-DNA position 588, G replaced by T.
Protein change: p.Leu196=; no amino-acid change (leucine 196 retained).
Molecular consequence: synonymous variant. On other transcripts: non-coding transcript variant (1).
Genome position (GRCh38, 1-based): chr16:88,738,614, C>A on the plus strand (G>T on the coding strand, the complement: PIEZO1 is on the minus strand). VCF-style: chr16-88738614-C-A. GRCh37 (hg19) VCF-style: chr16-88805022-C-A.
Other names: p.Leu196=.
Identifiers: ClinVar variation 810893 (VCV000810893.29), dbSNP rs142099589, ClinGen allele CA8233246.

ClinVar aggregate classification (germline): Benign/Likely benign. Review status: criteria provided, multiple submitters, no conflicts (2 of 4 stars). 7 submissions from 7 submitters: Benign (2); Likely benign (3). 2 of the submissions do not count toward it. Last evaluated 2026-02-01.

Allele frequency attached by ClinVar (database versions not stated): 1000 Genomes Project 30x 0.00484; 1000 Genomes Project 0.00559; ExAC 0.01322; gnomAD exomes 0.01578; TOPMed 0.01581; ESP Exome Variant Server 0.01981; gnomAD 0.02381.
gnomAD v4.1: 34,350 of 1,535,668 alleles (2.2%); highest among the groups gnomAD compares: Non-Finnish European, 2.6%; 505 homozygotes.

Submissions (7):

Labcorp Genetics (formerly Invitae), Labcorp
Classification: Benign. Last evaluated: 2026-02-01. Review status: criteria provided, single submitter. Criteria: Invitae Variant Classification Sherloc (09022015). Collection method: clinical testing. Allele origin: germline.

ARUP Laboratories, Molecular Genetics and Genomics, ARUP Laboratories
Classification: Benign. Last evaluated: 2025-06-30. Review status: criteria provided, single submitter. Criteria: ARUP Molecular Germline Variant Investigation Process 2024. Collection method: clinical testing. Allele origin: germline.

Mayo Clinic Laboratories, Mayo Clinic
Classification: Likely benign. Last evaluated: 2025-03-04. Review status: criteria provided, single submitter. Criteria: ACMG Guidelines, 2015. Collection method: clinical testing. Allele origin: germline. Observed: 89 variant alleles.
Comment: BS1, BP4, BP7

GeneDx
Classification: Likely benign. Last evaluated: 2018-07-09. Review status: criteria provided, single submitter. Criteria: GeneDx Variant Classification Process June 2021. Collection method: clinical testing. Allele origin: germline. Affected: yes.

Breakthrough Genomics
Classification: Likely benign. Review status: criteria provided, single submitter. Criteria: ACMG Guidelines, 2015. Collection method: not provided. Allele origin: germline. Inheritance: Autosomal recessive inheritance. Affected: yes.

Clinical Genetics, Academic Medical Center
Classification: Benign. Review status: no assertion criteria provided. Collection method: clinical testing. Allele origin: germline. Affected: yes. Study: VKGL Data-share Consensus. Not counted in ClinVar's aggregate classification.

Laboratory of Diagnostic Genome Analysis, Leiden University Medical Center (LUMC)
Classification: Likely benign. Review status: no assertion criteria provided. Collection method: clinical testing. Allele origin: germline. Affected: yes. Study: VKGL Data-share Consensus. Not counted in ClinVar's aggregate classification.